The following is an entry in ClinVar:

NM_001142864.4(PIEZO1):c.4269C>T (p.Ser1423=)

Gene: PIEZO1 (piezo type mechanosensitive ion channel component 1 (Er blood group); minus strand). Cytogenetic location: 16q24.3.
Variant type: single nucleotide variant.
Coding change: c.4269C>T on transcript NM_001142864.4 (MANE Select); coding-DNA position 4269, C replaced by T.
Protein change: p.Ser1423=; no amino-acid change (serine 1423 retained).
Molecular consequence: synonymous variant.
Genome position (GRCh38, 1-based): chr16:88,723,937, G>A on the plus strand (C>T on the coding strand, the complement: PIEZO1 is on the minus strand). VCF-style: chr16-88723937-G-A. GRCh37 (hg19) VCF-style: chr16-88790345-G-A.
Other names: c.4269C>T (NM_001142864.3).
Identifiers: ClinVar variation 3710418 (VCV003710418.4).

ClinVar aggregate classification (germline): Likely benign. Review status: criteria provided, multiple submitters, no conflicts (2 of 4 stars). 3 submissions from 3 submitters: Likely benign (3). Last evaluated 2026-07-06.

Conditions:
PIEZO1-related disorder. Also called: PIEZO1-related condition; PIEZO1-Related Disorders.

gnomAD v4.1: 328 of 1,549,402 alleles (0.021%); highest among the groups gnomAD compares: Non-Finnish European, 0.027%; no homozygotes.

Submissions (3):

PreventionGenetics, part of Exact Sciences
Classification: Likely benign for PIEZO1-related condition. Last evaluated: 2026-07-06. Review status: criteria provided, single submitter. Criteria: ACMG Guidelines, 2015. Collection method: clinical testing. Allele origin: germline.
Comment: This variant is classified as likely benign based on ACMG/AMP sequence variant interpretation guidelines (Richards et al. 2015 PMID: 25741868, with internal and published modifications).

Blueprint Genetics
Classification: Likely benign. Last evaluated: 2024-07-24. Review status: criteria provided, single submitter. Criteria: ACMG Guidelines, 2015. Collection method: clinical testing. Allele origin: germline.

Labcorp Genetics (formerly Invitae), Labcorp
Classification: Likely benign. Last evaluated: 2024-07-13. Review status: criteria provided, single submitter. Criteria: Invitae Variant Classification Sherloc (09022015). Collection method: clinical testing. Allele origin: germline.